The following is an entry in ClinVar:

ClinVar aggregate classification (germline): Likely pathogenic (1 of 4 stars; one submission).

Submission:

CeGaT Center for Human Genetics Tuebingen
Classification: Likely pathogenic. Last evaluated: 2024-01-01. Review status: criteria provided, single submitter. Criteria: CeGaT Center For Human Genetics Tuebingen Variant Classification Criteria Version 2. Collection method: clinical testing. Allele origin: germline. Affected: yes. Observed: 1 variant allele.
Comment: ZNF469: PVS1:Strong, PM2

NM_001367624.2(ZNF469):c.7860del (p.Val2621fs)

Gene: ZNF469 (zinc finger protein 469; plus strand). Cytogenetic location: 16q24.2.
Variant type: Deletion.
Coding change: c.7860del on transcript NM_001367624.2 (MANE Select); coding-DNA position 7860, one base deleted (C; older notation c.7860delC).
Protein change: p.Val2621fs; shifts the reading frame from valine 2621.
Molecular consequence: frameshift variant.
Genome position (GRCh38, 1-based): chr16:88,435,330, C deleted; the last of 2 consecutive C bases (chr16:88,435,329-88,435,330); deleting either gives the same sequence. VCF-style (leftmost placement, unchanged base first): chr16-88435328-AC-A. GRCh37 (hg19) VCF-style: chr16-88501736-AC-A.
Other names: short protein forms V2621fs.
Identifiers: ClinVar variation 3026709 (VCV003026709.22), dbSNP rs2507597777, ClinGen allele CA2740093450.